The following is an entry in ClinVar:

ClinVar aggregate classification (germline): Likely benign (1 of 4 stars; one submission).

Allele frequency attached by ClinVar (database versions not stated): gnomAD 0.00003; TOPMed 0.00003; ESP Exome Variant Server 0.00008.
gnomAD v4.1: 59 of 1,613,106 alleles (0.0037%); highest among the groups gnomAD compares: Non-Finnish European, 0.0045%; no homozygotes.

Submission:

CeGaT Center for Human Genetics Tuebingen
Classification: Likely benign. Last evaluated: 2024-02-01. Review status: criteria provided, single submitter. Criteria: CeGaT Center For Human Genetics Tuebingen Variant Classification Criteria Version 2. Collection method: clinical testing. Allele origin: germline. Affected: yes. Observed: 1 variant allele.
Comment: ZNF292: BP4

NM_015021.3(ZNF292):c.2052T>C (p.Pro684=)

Gene: ZNF292 (zinc finger protein 292; plus strand). Cytogenetic location: 6q14.3.
Variant type: single nucleotide variant.
Coding change: c.2052T>C on transcript NM_015021.3 (MANE Select); coding-DNA position 2052, T replaced by C.
Protein change: p.Pro684=; no amino-acid change (proline 684 retained).
Molecular consequence: synonymous variant.
Genome position (GRCh38, 1-based): chr6:87,255,681, T>C. VCF-style: chr6-87255681-T-C. GRCh37 (hg19) VCF-style: chr6-87965399-T-C.
Other names: c.1632T>C, p.Pro544= (NM_001351444.2).
Identifiers: ClinVar variation 3026265 (VCV003026265.22), dbSNP rs373848653, ClinGen allele CA3913911.